The following is an entry in ClinVar:

ClinVar aggregate classification (germline): Pathogenic (1 of 4 stars; one submission).

Conditions:
DICER1-related tumor predisposition. Also called: DICER1-related pleuropulmonary blastoma cancer predisposition syndrome; DICER1 syndrome. Identifiers: Orphanet 284343, MedGen C3839822, MONDO:0100216.

Submission:

Labcorp Genetics (formerly Invitae), Labcorp
Classification: Pathogenic for DICER1-related tumor predisposition. Last evaluated: 2017-03-20. Review status: criteria provided, single submitter. Criteria: Invitae Variant Classification Sherloc (09022015). Collection method: clinical testing. Allele origin: germline.
Comment: For these reasons, this variant has been classified as Pathogenic. While this particular variant has not been reported in the literature, loss-of-function variants in DICER1 are known to be pathogenic (PMID: 19556464, 21266384). This sequence change deletes 1 nucleotide from exon 8 of the DICER1 mRNA (c.1137delA), causing a frameshift at codon 379. This creates a premature translational stop signal (p.Lys379Asnfs*79) and is expected to result in an absent or disrupted protein product.

Literature cited by the submitters: PubMed 19556464; PubMed 21266384.

NM_177438.3(DICER1):c.1137del (p.Lys379fs)

Gene: DICER1 (dicer 1, ribonuclease III; minus strand). Cytogenetic location: 14q32.13.
Variant type: Deletion.
Coding change: c.1137del on transcript NM_177438.3 (MANE Select); coding-DNA position 1137, one base deleted (A; older notation c.1137delA).
Protein change: p.Lys379fs; shifts the reading frame from lysine 379.
Molecular consequence: frameshift variant.
Genome position (GRCh38, 1-based): chr14:95,124,435, T deleted on the plus strand (A on the coding strand, the reverse complement: DICER1 is on the minus strand); the first of 3 consecutive T bases (chr14:95,124,435-95,124,437); deleting any one gives the same sequence. VCF-style (leftmost placement, unchanged base first): chr14-95124434-GT-G. GRCh37 (hg19) VCF-style: chr14-95590771-GT-G.
Other names: c.1137delA (NM_177438.2); c.1137del, p.Lys379fs (NM_001195573.1, NM_001271282.3, NM_001291628.2 and 1 more transcripts); short protein forms K379fs.
Identifiers: ClinVar variation 477023 (VCV000477023.8), dbSNP rs1555374734, ClinGen allele CA658656455.
Genomic context (GRCh38, chr14:95,124,434, plus strand): 5'-ACTCAACGCTTTCAAACTGCTGTCGCTCATATGGTTTATATTTGCGTAAGATTTCGAGCA[GT>G]TTGATTACTTTAGGAGTTACAAATTTCAGGTCAAGTGAGGCAGGTGAGAAGTGCTCTTCA-3'